The following is an entry in ClinVar:

ClinVar aggregate classification (germline): Uncertain significance (1 of 4 stars; one submission).

Conditions:
BBS5-related disorder. Also called: BBS5-related condition.

Submission:

PreventionGenetics, part of Exact Sciences
Classification: Uncertain significance for BBS5-related condition. Last evaluated: 2025-07-24. Review status: criteria provided, single submitter. Criteria: ACMG Guidelines, 2015. Collection method: clinical testing. Allele origin: germline.
Comment: The BBS5 c.179A>C variant is predicted to result in the amino acid substitution p.His60Pro. To our knowledge, this variant has not been reported in the literature or in a large population database (gnomAD), indicating this variant is rare. At this time, the clinical significance of this variant is uncertain due to the absence of conclusive functional and genetic evidence.

NM_152384.3(BBS5):c.179A>C (p.His60Pro)

Gene: BBS5 (Bardet-Biedl syndrome 5; plus strand). Cytogenetic location: 2q31.1.
Variant type: single nucleotide variant.
Coding change: c.179A>C on transcript NM_152384.3 (MANE Select); coding-DNA position 179, A replaced by C.
Protein change: p.His60Pro; replaces histidine 60 with proline.
Molecular consequence: missense variant.
Genome position (GRCh38, 1-based): chr2:169,487,105, A>C. VCF-style: chr2-169487105-A-C. GRCh37 (hg19) VCF-style: chr2-170343615-A-C.
Other names: short protein forms H60P.
Identifiers: ClinVar variation 5000453 (VCV005000453.1).